The following is an entry in ClinVar:

NM_001042492.3(NF1):c.6704G>A (p.Arg2235Lys)

Gene: NF1 (neurofibromin 1; plus strand). Cytogenetic location: 17q11.2.
Variant type: single nucleotide variant.
Coding change: c.6704G>A on transcript NM_001042492.3 (MANE Select); coding-DNA position 6704, G replaced by A.
Protein change: p.Arg2235Lys; replaces arginine 2235 with lysine.
Molecular consequence: missense variant.
Genome position (GRCh38, 1-based): chr17:31,337,880, G>A. VCF-style: chr17-31337880-G-A. GRCh37 (hg19) VCF-style: chr17-29664898-G-A.
Other names: c.6641G>A, p.Arg2214Lys (NM_000267.4); short protein forms R2214K, R2235K.
Identifiers: ClinVar variation 4860958 (VCV004860958.1).
Genomic context (GRCh38, chr17:31,337,880, plus strand): 5'-CATGCATGAGAGATATTCCAACGTGCAAGTGGCTGGACCAGTGGACAGAACTAGCTCAAA[G>A]GTATGTCCTAAATTAAATATAAGTTGTAAAAATATGCATATTGTTGAAAATACAGCTATT-3'
Protein context (NP_001035957.1, residues 2225-2245): WLDQWTELAQ[Arg2235Lys]FAFQYNPSLQ

ClinVar aggregate classification (germline): Uncertain significance (1 of 4 stars; one submission).

Conditions:
Cardiovascular phenotype. Identifiers: MedGen CN230736.
Hereditary cancer-predisposing syndrome. Also called: Neoplastic Syndromes, Hereditary; Tumor predisposition; Hereditary Cancer Syndrome; Hereditary neoplastic syndrome. Identifiers: Orphanet 140162, MedGen C0027672, MeSH D009386, MONDO:0015356.

Submission:

Ambry Genetics
Classification: Uncertain significance for Cardiovascular phenotype; Hereditary cancer-predisposing syndrome. Last evaluated: 2026-05-06. Review status: criteria provided, single submitter. Criteria: Ambry Variant Classification Scheme 2023. Collection method: clinical testing. Allele origin: germline.
Comment: The p.R2214K variant (also known as c.6641G>A), located in coding exon 43 of the NF1 gene, results from a G to A substitution at nucleotide position 6641. The amino acid change results in arginine to lysine at codon 2214, an amino acid with highly similar properties. However, this change occurs in the last base pair of coding exon 43, which makes it likely to have some effect on normal mRNA splicing. This nucleotide position is not well conserved in available vertebrate species. In silico splice site analysis for this alteration is inconclusive. This amino acid position is not well conserved in available vertebrate species. In addition, as a missense substitution this is predicted to be tolerated by in silico analysis. Based on the available evidence, the clinical significance of this variant remains unclear.